The following is an entry in ClinVar:

NM_001348323.3(TRIP12):c.3167A>G (p.Gln1056Arg)

Gene: TRIP12 (thyroid hormone receptor interactor 12; minus strand). Cytogenetic location: 2q36.3.
Variant type: single nucleotide variant.
Coding change: c.3167A>G on transcript NM_001348323.3 (MANE Select); coding-DNA position 3167, A replaced by G.
Protein change: p.Gln1056Arg; replaces glutamine 1056 with arginine.
Molecular consequence: missense variant.
Genome position (GRCh38, 1-based): chr2:229,802,291, T>C on the plus strand (A>G on the coding strand, the complement: TRIP12 is on the minus strand). VCF-style: chr2-229802291-T-C. GRCh37 (hg19) VCF-style: chr2-230667007-T-C.
Other names: c.3086A>G, p.Gln1029Arg (NM_001284214.2, NM_001348315.2); c.3041A>G, p.Gln1014Arg (NM_001284215.2, NM_001348316.2, NM_001348317.1 and 1 more transcripts); c.2132A>G, p.Gln711Arg (NM_001284216.2); c.3167A>G, p.Gln1056Arg (NM_001348319.1, NM_001348320.2, NM_001348322.1 and 4 more transcripts); c.3170A>G, p.Gln1057Arg (NM_001348321.1, NM_001348328.1, NM_001348329.2 and 1 more transcripts); c.2960A>G, p.Gln987Arg (NM_001348331.1); c.3080A>G, p.Gln1027Arg (NM_001348332.1); c.3089A>G, p.Gln1030Arg (NM_001348333.1); and 1 more; short protein forms Q1014R, Q1027R, Q1029R, Q1030R, Q1056R, Q1057R, Q711R, Q981R.
Identifiers: ClinVar variation 2505243 (VCV002505243.1), dbSNP rs2044592056, ClinGen allele CA350909884.

ClinVar aggregate classification (germline): Uncertain significance (1 of 4 stars; one submission).

Allele frequency attached by ClinVar (database versions not stated): TOPMed below 0.00001; gnomAD 0.00001.

Submission:

Greenwood Genetic Center Diagnostic Laboratories, Greenwood Genetic Center
Classification: Uncertain significance. Last evaluated: 2023-01-26. Review status: criteria provided, single submitter. Criteria: ACMG Guidelines, 2015. Collection method: clinical testing. Allele origin: germline. Affected: yes.
Comment: PM2